The following is an entry in ClinVar:

NM_006514.4(SCN10A):c.4025T>C (p.Phe1342Ser)

Gene: SCN10A (sodium voltage-gated channel alpha subunit 10; minus strand). Cytogenetic location: 3p22.2.
Variant type: single nucleotide variant.
Coding change: c.4025T>C on transcript NM_006514.4 (MANE Select); coding-DNA position 4025, T replaced by C.
Protein change: p.Phe1342Ser; replaces phenylalanine 1342 with serine.
Molecular consequence: missense variant.
Genome position (GRCh38, 1-based): chr3:38,712,225, A>G on the plus strand (T>C on the coding strand, the complement: SCN10A is on the minus strand). VCF-style: chr3-38712225-A-G. GRCh37 (hg19) VCF-style: chr3-38753716-A-G.
Other names: c.4022T>C, p.Phe1341Ser (NM_001293306.2); c.3731T>C, p.Phe1244Ser (NM_001293307.2); c.4025T>C (NM_006514.2); short protein forms F1341S, F1342S, F1244S.
Identifiers: ClinVar variation 1481541 (VCV001481541.10), dbSNP rs763963972, ClinGen allele CA2320053.

ClinVar aggregate classification (germline): Uncertain significance. Review status: criteria provided, multiple submitters, no conflicts (2 of 4 stars). 2 submissions from 2 submitters: Uncertain significance (2). Last evaluated 2023-02-14.

Conditions:
Brugada syndrome. Also called: Sudden unexpected nocturnal death syndrome; Sudden unexplained nocturnal death syndrome; Sudden Unexplained Death Syndrome; Sudden Unexplained Nocturnal Death Syndrome (SUNDS). Identifiers: Orphanet 130, MedGen C1142166, MONDO:0015263.
Cardiovascular phenotype. Identifiers: MedGen CN230736.

Allele frequency attached by ClinVar (database versions not stated): gnomAD exomes below 0.00001 and 0.00001; ExAC 0.00001.

Submissions (2):

Ambry Genetics
Classification: Uncertain significance for Cardiovascular phenotype. Last evaluated: 2023-02-14. Review status: criteria provided, single submitter. Criteria: Ambry Variant Classification Scheme 2023. Collection method: clinical testing. Allele origin: germline.
Comment: The p.F1342S variant (also known as c.4025T>C), located in coding exon 22 of the SCN10A gene, results from a T to C substitution at nucleotide position 4025. The phenylalanine at codon 1342 is replaced by serine, an amino acid with highly dissimilar properties. This amino acid position is not well conserved in available vertebrate species. In addition, the in silico prediction for this alteration is inconclusive. The evidence for this gene-disease relationship is limited; therefore, the clinical significance of this alteration is unclear.

Labcorp Genetics (formerly Invitae), Labcorp
Classification: Uncertain significance for Brugada syndrome. Last evaluated: 2022-08-23. Review status: criteria provided, single submitter. Criteria: Invitae Variant Classification Sherloc (09022015). Collection method: clinical testing. Allele origin: germline.
Comment: This sequence change replaces phenylalanine, which is neutral and non-polar, with serine, which is neutral and polar, at codon 1342 of the SCN10A protein (p.Phe1342Ser). In summary, the available evidence is currently insufficient to determine the role of this variant in disease. Therefore, it has been classified as a Variant of Uncertain Significance. Algorithms developed to predict the effect of missense changes on protein structure and function (SIFT, PolyPhen-2, Align-GVGD) all suggest that this variant is likely to be tolerated. ClinVar contains an entry for this variant (Variation ID: 1481541). This variant has not been reported in the literature in individuals affected with SCN10A-related conditions. This variant is present in population databases (rs763963972, gnomAD 0.01%).